The following is an entry in ClinVar:

NM_017654.4(SAMD9):c.3133G>A (p.Gly1045Ser)

Gene: SAMD9 (sterile alpha motif domain containing 9; minus strand). Cytogenetic location: 7q21.2.
Variant type: single nucleotide variant.
Coding change: c.3133G>A on transcript NM_017654.4 (MANE Select); coding-DNA position 3133, G replaced by A.
Protein change: p.Gly1045Ser; replaces glycine 1045 with serine.
Molecular consequence: missense variant.
Genome position (GRCh38, 1-based): chr7:93,102,965, C>T on the plus strand (G>A on the coding strand, the complement: SAMD9 is on the minus strand). VCF-style: chr7-93102965-C-T. GRCh37 (hg19) VCF-style: chr7-92732278-C-T.
Other names: c.3133G>A, p.Gly1045Ser (NM_001193307.2); short protein forms G1045S.
Identifiers: ClinVar variation 4863872 (VCV004863872.1).

ClinVar aggregate classification (germline): Uncertain significance (1 of 4 stars; one submission).

Conditions:
Inborn genetic diseases. Identifiers: MedGen C0950123, MeSH D030342.

Submission:

Ambry Genetics
Classification: Uncertain significance for Inborn genetic diseases. Last evaluated: 2026-05-23. Review status: criteria provided, single submitter. Criteria: Ambry Variant Classification Scheme 2023. Collection method: clinical testing. Allele origin: germline.
Comment: The p.G1045S variant (also known as c.3133G>A), located in coding exon 1 of the SAMD9 gene, results from a G to A substitution at nucleotide position 3133. The glycine at codon 1045 is replaced by serine, an amino acid with similar properties. This amino acid position is conserved. In addition, this alteration is predicted to be tolerated by in silico analysis. Based on the available evidence, the clinical significance of this variant remains unclear.